The following is an entry in ClinVar:

NM_004415.4(DSP):c.5582A>C (p.Gln1861Pro)

Gene: DSP (desmoplakin; plus strand). Cytogenetic location: 6p24.3.
Variant type: single nucleotide variant.
Coding change: c.5582A>C on transcript NM_004415.4 (MANE Select); coding-DNA position 5582, A replaced by C.
Protein change: p.Gln1861Pro; replaces glutamine 1861 with proline.
Molecular consequence: missense variant.
Genome position (GRCh38, 1-based): chr6:7,582,844, A>C. VCF-style: chr6-7582844-A-C. GRCh37 (hg19) VCF-style: chr6-7583077-A-C.
Other names: p.Q1861P:CAG>CCG; c.5582A>C (LRG_423t1); c.3785A>C, p.Gln1262Pro (NM_001008844.3); c.4253A>C, p.Gln1418Pro (NM_001319034.2); short protein forms Q1861P, Q1418P, Q1262P.
Identifiers: ClinVar variation 199891 (VCV000199891.2), dbSNP rs794728125, ClinGen allele CA006554.

ClinVar aggregate classification (germline): Uncertain significance (1 of 4 stars; one submission).

Submission:

GeneDx
Classification: Uncertain significance. Last evaluated: 2014-04-04. Review status: criteria provided, single submitter. Criteria: GeneDx Variant Classification (06012015). Collection method: clinical testing. Allele origin: germline. Affected: yes.
Comment: p.Gln1861Pro (CAG>CCG): c.5582 A>C in exon 24 of the DSP gene (NM_004415.2). The Q1861P variant has not been published as a mutation, nor has it been reported as a benign polymorphism to our knowledge. The Q1861P variant was not observed in approximately 6,500 individuals of European and African American ancestry in the NHLBI Exome Sequencing Project, indicating it is not a common benign variant in these populations. The Q1861P variant is a semi-conservative amino acid substitution, which may impact secondary protein structure as these residues differ in some properties. This substitution occurs at a position that is conserved through mammals. However, in silico analysis is inconsistent in its predictions as to whether or not the variant is damaging to the protein structure/function. Additionally, no missense mutations in nearby residues have been reported in association with cardiomyopathy, suggesting this region of the protein may be tolerant of change. Therefore, based on the currently available information, it is unclear whether this variant is a pathogenic mutation or a rare benign variant. The variant is found in CARDIOMYOPATHY panel(s).